The following is an entry in ClinVar:

ClinVar aggregate classification (germline): Conflicting classifications of pathogenicity. Review status: criteria provided, conflicting classifications (1 of 4 stars). 3 submissions from 3 submitters: Uncertain significance (2); Likely benign (1). Last evaluated 2023-11-08.

Conditions:
Glycogen storage disease due to phosphoglycerate kinase 1 deficiency. Also called: PHOSPHOGLYCERATE KINASE 1 DEFICIENCY WITH LEVO-DOPA-RESPONSIVE PARKINSONISM; PGK1 DEFICIENCY. Identifiers: Orphanet 713, MedGen C1970848, MONDO:0010392, OMIM 300653.

Allele frequency attached by ClinVar (database versions not stated): gnomAD exomes below 0.00001; ExAC 0.00002; TOPMed 0.00002.

Submissions (3):

Revvity Omics, Revvity
Classification: Uncertain significance for Glycogen storage disease due to phosphoglycerate kinase 1 deficiency. Last evaluated: 2023-11-08. Review status: criteria provided, single submitter. Criteria: ACMG Guidelines, 2015. Collection method: clinical testing. Allele origin: germline.

Blueprint Genetics
Classification: Likely benign. Last evaluated: 2023-07-28. Review status: criteria provided, single submitter. Criteria: ACMG Guidelines, 2015. Collection method: clinical testing. Allele origin: germline.

Labcorp Genetics (formerly Invitae), Labcorp
Classification: Uncertain significance. Last evaluated: 2022-04-02. Review status: criteria provided, single submitter. Criteria: Invitae Variant Classification Sherloc (09022015). Collection method: clinical testing. Allele origin: germline.
Comment: Algorithms developed to predict the effect of missense changes on protein structure and function output the following: SIFT: "Tolerated"; PolyPhen-2: "Benign"; Align-GVGD: "Class C0". The glutamine amino acid residue is found in multiple mammalian species, which suggests that this missense change does not adversely affect protein function. This sequence change replaces arginine, which is basic and polar, with glutamine, which is neutral and polar, at codon 350 of the PGK1 protein (p.Arg350Gln). The frequency data for this variant in the population databases is considered unreliable, as metrics indicate poor data quality at this position in the gnomAD database. This variant has not been reported in the literature in individuals affected with PGK1-related conditions. In summary, the available evidence is currently insufficient to determine the role of this variant in disease. Therefore, it has been classified as a Variant of Uncertain Significance.

NM_000291.4(PGK1):c.1049G>A (p.Arg350Gln)

Gene: PGK1 (phosphoglycerate kinase 1; plus strand). Cytogenetic location: Xq21.1.
Variant type: single nucleotide variant.
Coding change: c.1049G>A on transcript NM_000291.4 (MANE Select); coding-DNA position 1049, G replaced by A.
Protein change: p.Arg350Gln; replaces arginine 350 with glutamine.
Molecular consequence: missense variant.
Genome position (GRCh38, 1-based): chrX:78,124,986, G>A. VCF-style: chrX-78124986-G-A. GRCh37 (hg19) VCF-style: chrX-77380483-G-A.
Other names: short protein forms R350Q.
Identifiers: ClinVar variation 1953631 (VCV001953631.7), dbSNP rs782512699, ClinGen allele CA10459814.
Genomic context (GRCh38, chrX:78,124,986, plus strand): 5'-GGGCTAAGCAGATTGTGTGGAATGGTCCTGTGGGGGTATTTGAATGGGAAGCTTTTGCCC[G>A]GGGAACCAAAGCTCTCATGGATGAGGTGGTGAAAGCCACTTCTAGGGGCTGCATCACCAT-3'
Protein context (NP_000282.1, residues 340-360): VGVFEWEAFA[Arg350Gln]GTKALMDEVV